The following is an entry in ClinVar:

NM_032444.4(SLX4):c.3743C>T (p.Ala1248Val)

Gene: SLX4 (SLX4 structure-specific endonuclease subunit; minus strand). Cytogenetic location: 16p13.3.
Variant type: single nucleotide variant.
Coding change: c.3743C>T on transcript NM_032444.4 (MANE Select); coding-DNA position 3743, C replaced by T.
Protein change: p.Ala1248Val; replaces alanine 1248 with valine.
Molecular consequence: missense variant.
Genome position (GRCh38, 1-based): chr16:3,589,895, G>A on the plus strand (C>T on the coding strand, the complement: SLX4 is on the minus strand). VCF-style: chr16-3589895-G-A. GRCh37 (hg19) VCF-style: chr16-3639896-G-A.
Other names: short protein forms A1248V.
Identifiers: ClinVar variation 1951311 (VCV001951311.3), dbSNP rs201294529, ClinGen allele CA7865849.

ClinVar aggregate classification (germline): Uncertain significance. Review status: criteria provided, multiple submitters, no conflicts (2 of 4 stars). 2 submissions from 2 submitters: Uncertain significance (2). Last evaluated 2025-09-10.

Conditions:
Fanconi anemia (FA). Also called: Fanconi's anemia. Identifiers: Orphanet 84, MedGen C0015625, MeSH D005199, MONDO:0019391.
Inborn genetic diseases. Identifiers: MedGen C0950123, MeSH D030342.

Allele frequency attached by ClinVar (database versions not stated): ExAC 0.00001; gnomAD 0.00001; 1000 Genomes Project 30x 0.00016; 1000 Genomes Project 0.00020.
gnomAD v4.1: 1 of 1,613,750 alleles (0.000062%); highest among the groups gnomAD compares: African/African-American, 0.0013%; no homozygotes.

Submissions (2):

Ambry Genetics
Classification: Uncertain significance for Inborn genetic diseases. Last evaluated: 2025-09-10. Review status: criteria provided, single submitter. Criteria: Ambry Variant Classification Scheme 2023. Collection method: clinical testing. Allele origin: germline.

Labcorp Genetics (formerly Invitae), Labcorp
Classification: Uncertain significance for Fanconi anemia. Last evaluated: 2022-08-19. Review status: criteria provided, single submitter. Criteria: Invitae Variant Classification Sherloc (09022015). Collection method: clinical testing. Allele origin: germline.
Comment: This sequence change replaces alanine, which is neutral and non-polar, with valine, which is neutral and non-polar, at codon 1248 of the SLX4 protein (p.Ala1248Val). This variant is present in population databases (rs201294529, gnomAD 0.007%). This variant has not been reported in the literature in individuals affected with SLX4-related conditions. Algorithms developed to predict the effect of missense changes on protein structure and function (SIFT, PolyPhen-2, Align-GVGD) all suggest that this variant is likely to be tolerated. In summary, the available evidence is currently insufficient to determine the role of this variant in disease. Therefore, it has been classified as a Variant of Uncertain Significance.